The following is an entry in ClinVar:

ClinVar aggregate classification (germline): Likely benign. Review status: criteria provided, multiple submitters, no conflicts (2 of 4 stars). 2 submissions from 2 submitters: Likely benign (2). Last evaluated 2025-11-05.

Conditions:
Early Myoclonic Encephalopathy. Identifiers: MedGen C0270855.

Allele frequency attached by ClinVar (database versions not stated): gnomAD exomes 0.00005; TOPMed 0.00006; ESP Exome Variant Server 0.00008; gnomAD 0.00013.
gnomAD v4.1: 250 of 1,614,028 alleles (0.015%); highest among the groups gnomAD compares: Non-Finnish European, 0.02%; no homozygotes.

Submissions (2):

Labcorp Genetics (formerly Invitae), Labcorp
Classification: Likely benign for Early Myoclonic Encephalopathy. Last evaluated: 2025-11-05. Review status: criteria provided, single submitter. Criteria: Invitae Variant Classification Sherloc (09022015). Collection method: clinical testing. Allele origin: germline.

CeGaT Center for Human Genetics Tuebingen
Classification: Likely benign. Last evaluated: 2024-03-01. Review status: criteria provided, single submitter. Criteria: CeGaT Center For Human Genetics Tuebingen Variant Classification Criteria Version 2. Collection method: clinical testing. Allele origin: germline. Affected: yes. Observed: 1 variant allele.
Comment: JMJD1C: BP4

NM_032776.3(JMJD1C):c.3720T>A (p.Ala1240=)

Gene: JMJD1C (jumonji domain containing 1C; minus strand). Cytogenetic location: 10q21.3.
Variant type: single nucleotide variant.
Coding change: c.3720T>A on transcript NM_032776.3 (MANE Select); coding-DNA position 3720, T replaced by A.
Protein change: p.Ala1240=; no amino-acid change (alanine 1240 retained).
Molecular consequence: synonymous variant. On other transcripts: non-coding transcript variant (1).
Genome position (GRCh38, 1-based): chr10:63,207,949, A>T on the plus strand (T>A on the coding strand, the complement: JMJD1C is on the minus strand). VCF-style: chr10-63207949-A-T. GRCh37 (hg19) VCF-style: chr10-64967709-A-T.
Other names: c.3174T>A, p.Ala1058= (NM_001282948.2, NM_001318154.2); c.2856T>A, p.Ala952= (NM_001318153.2); c.3606T>A, p.Ala1202= (NM_001322252.2); c.3063T>A, p.Ala1021= (NM_001322254.2, NM_001322258.2).
Identifiers: ClinVar variation 460240 (VCV000460240.32), dbSNP rs374157558, ClinGen allele CA5518389.
Genomic context (GRCh38, chr10:63,207,949, plus strand): 5'-GGAGTCTTTTGGTTCGGGTATTAGAGTTGGAGGCTTCTGTGATTCTTGAACTTTACCACC[A>T]GCATTTACTGGCATCACCGGAGTTAAAGTTGGAGGGGAAAGACTACTATAGCTGCCTTCC-3'
Protein context (NP_116165.1, residues 1230-1250): PTLTPVMPVN[Ala1240=]GGKVQESQKP